The following is an entry in ClinVar:

NM_004453.4(ETFDH):c.1650_1651del (p.Ser551fs)

Gene: ETFDH (electron transfer flavoprotein dehydrogenase; plus strand). Cytogenetic location: 4q32.1.
Variant type: Deletion.
Coding change: c.1650_1651del on transcript NM_004453.4 (MANE Select); coding-DNA positions 1650 to 1651, 2 bases deleted (GT; older notation c.1650_1651delGT).
Protein change: p.Ser551fs; shifts the reading frame from serine 551.
Molecular consequence: frameshift variant.
Genome position (GRCh38, 1-based): chr4:158,706,810-158,706,811, GT deleted; deleting any 2 consecutive bases within chr4:158,706,809-158,706,811 gives the same sequence; the c. name uses the placement nearest the transcript's 3' end. VCF-style (leftmost placement, unchanged base first): chr4-158706808-CTG-C. GRCh37 (hg19) VCF-style: chr4-159627960-CTG-C.
Other names: c.1509_1510del, p.Ser504fs (NM_001281737.2); c.1467_1468del, p.Ser490fs (NM_001281738.1); short protein forms S504fs, S551fs, S490fs.
Identifiers: ClinVar variation 1375348 (VCV001375348.6), dbSNP rs2126316783, ClinGen allele CA2573138104.

ClinVar aggregate classification (germline): Pathogenic (1 of 4 stars; one submission).

Conditions:
Multiple acyl-CoA dehydrogenase deficiency (MADD). Also called: ETHYLMALONIC-ADIPICACIDURIA; GA II; Glutaric Acidemia type 2; Glutaric aciduria, type 2; Glutaric acidemia type II; GA 2. Identifiers: Orphanet 26791, MedGen C0268596, MONDO:0009282, OMIM 231680.

Submission:

Labcorp Genetics (formerly Invitae), Labcorp
Classification: Pathogenic for Multiple acyl-CoA dehydrogenase deficiency. Last evaluated: 2025-11-28. Review status: criteria provided, single submitter. Criteria: Invitae Variant Classification Sherloc (09022015). Collection method: clinical testing. Allele origin: germline.
Comment: This sequence change creates a premature translational stop signal (p.Ser551Aspfs*3) in the ETFDH gene. While this is not anticipated to result in nonsense mediated decay, it is expected to disrupt the last 67 amino acid(s) of the ETFDH protein. This variant is not present in population databases (gnomAD no frequency). This variant has not been reported in the literature in individuals affected with ETFDH-related conditions. ClinVar contains an entry for this variant (Variation ID: 1375348). This variant disrupts a region of the ETFDH protein in which other variant(s) (p.Gly611Glu) have been determined to be pathogenic (PMID: 12359134; internal data). This suggests that this is a clinically significant region of the protein, and that variants that disrupt it are likely to be disease-causing. For these reasons, this variant has been classified as Pathogenic.

Literature cited by the submitters: PubMed 12359134.